The following is an entry in ClinVar:

ClinVar aggregate classification (germline): Pathogenic (1 of 4 stars; one submission).

Conditions:
Polycystic kidney disease, adult type (PKD1). Also called: Polycystic Kidney, Autosomal Dominant; POLYCYSTIC KIDNEY DISEASE 1 WITH OR WITHOUT POLYCYSTIC LIVER DISEASE; Polycystic Kidney Disease 1, Autosomal Dominant; Polycystic kidney disease 1; Polycystic kidney disease 1, severe; POLYCYSTIC KIDNEY DISEASE, ADULT, TYPE I. Identifiers: MedGen C3149841, MONDO:0008263, OMIM 173900.

Submission:

MVZ Medizinische Genetik Mainz
Classification: Pathogenic for Polycystic kidney disease, adult type. Last evaluated: 2022-11-07. Review status: criteria provided, single submitter. Criteria: UK Practice Guidelines For Variant Classification V4 01 2020. Collection method: clinical testing. Allele origin: germline. Inheritance: Autosomal dominant inheritance. Affected: yes. Observed: 1 variant allele.
Comment: ACMG Criteria: PVS1, PM2_SUP, PP4

NM_001009944.3(PKD1):c.6346_6352del (p.Arg2116fs)

Gene: PKD1 (polycystin 1, transient receptor potential channel interacting; minus strand). Cytogenetic location: 16p13.3.
Variant type: Deletion.
Coding change: c.6346_6352del on transcript NM_001009944.3 (MANE Select); coding-DNA positions 6346 to 6352, 7 bases deleted (AGGCCTG; older notation c.6346_6352delAGGCCTG).
Protein change: p.Arg2116fs; shifts the reading frame from arginine 2116.
Molecular consequence: frameshift variant.
Genome position (GRCh38, 1-based): chr16:2,108,815-2,108,821, CAGGCCT deleted on the plus strand (AGGCCTG on the coding strand, the reverse complement: PKD1 is on the minus strand); deleting any 7 consecutive bases within chr16:2,108,815-2,108,825 gives the same sequence; the c. name uses the placement nearest the transcript's 3' end. VCF-style (leftmost placement, unchanged base first): chr16-2108814-CCAGGCCT-C. GRCh37 (hg19) VCF-style: chr16-2158815-CCAGGCCT-C.
Other names: c.6346_6352del, p.Arg2116fs (NM_000296.4); short protein forms R2116fs.
Identifiers: ClinVar variation 3068342 (VCV003068342.1), dbSNP rs2544803642, ClinGen allele CA2825002323.